The following is an entry in ClinVar:

ClinVar aggregate classification (germline): Conflicting classifications of pathogenicity. Review status: criteria provided, conflicting classifications (1 of 4 stars). 2 submissions from 2 submitters: Uncertain significance (1); Likely benign (1). Last evaluated 2025-12-22.

Allele frequency attached by ClinVar (database versions not stated): gnomAD exomes 0.00002 and 0.00004; ExAC 0.00003; gnomAD 0.00004; ESP Exome Variant Server 0.00008; TOPMed 0.00010.
gnomAD v4.1: 36 of 1,612,346 alleles (0.0022%); highest among the groups gnomAD compares: African/African-American, 0.013%; no homozygotes.

Submissions (2):

Labcorp Genetics (formerly Invitae), Labcorp
Classification: Uncertain significance. Last evaluated: 2025-12-22. Review status: criteria provided, single submitter. Criteria: Invitae Variant Classification Sherloc (09022015). Collection method: clinical testing. Allele origin: germline.
Comment: This sequence change replaces arginine, which is basic and polar, with glutamine, which is neutral and polar, at codon 373 of the RNF13 protein (p.Arg373Gln). This variant is present in population databases (rs374986410, gnomAD 0.02%). This variant has not been reported in the literature in individuals affected with RNF13-related conditions. ClinVar contains an entry for this variant (Variation ID: 1395059). An algorithm developed to predict the effect of missense changes on protein structure and function outputs the following: PolyPhen-2: "Benign". The glutamine amino acid residue is found in multiple mammalian species, which suggests that this missense change does not adversely affect protein function. In summary, the available evidence is currently insufficient to determine the role of this variant in disease. Therefore, it has been classified as a Variant of Uncertain Significance.

Ambry Genetics
Classification: Likely benign. Last evaluated: 2022-08-02. Review status: criteria provided, single submitter. Criteria: Ambry Variant Classification Scheme 2023. Collection method: clinical testing. Allele origin: germline.

NM_183381.3(RNF13):c.1118G>A (p.Arg373Gln)

Gene: RNF13 (ring finger protein 13; plus strand). Cytogenetic location: 3q25.1.
Variant type: single nucleotide variant.
Coding change: c.1118G>A on transcript NM_183381.3 (MANE Select); coding-DNA position 1118, G replaced by A.
Protein change: p.Arg373Gln; replaces arginine 373 with glutamine.
Molecular consequence: missense variant. On other transcripts: non-coding transcript variant (1).
Genome position (GRCh38, 1-based): chr3:149,961,076, G>A. VCF-style: chr3-149961076-G-A. GRCh37 (hg19) VCF-style: chr3-149678863-G-A.
Other names: c.1118G>A, p.Arg373Gln (NM_001378285.1, NM_001378286.1, NM_007282.4); c.761G>A, p.Arg254Gln (NM_001378287.1, NM_001378288.1, NM_001378289.1 and 2 more transcripts); c.725G>A, p.Arg242Gln (NM_001378291.1); short protein forms R242Q, R254Q, R373Q.
Identifiers: ClinVar variation 1395059 (VCV001395059.7), dbSNP rs374986410, ClinGen allele CA2663168.